The following is an entry in ClinVar:

NM_006946.4(SPTBN2):c.1662G>A (p.Leu554=)

Gene: SPTBN2 (spectrin beta, non-erythrocytic 2; minus strand). Cytogenetic location: 11q13.2.
Variant type: single nucleotide variant.
Coding change: c.1662G>A on transcript NM_006946.4 (MANE Select); coding-DNA position 1662, G replaced by A.
Protein change: p.Leu554=; no amino-acid change (leucine 554 retained).
Molecular consequence: synonymous variant.
Genome position (GRCh38, 1-based): chr11:66,705,829, C>T on the plus strand (G>A on the coding strand, the complement: SPTBN2 is on the minus strand). VCF-style: chr11-66705829-C-T. GRCh37 (hg19) VCF-style: chr11-66473300-C-T.
Other names: c.1683G>A, p.Leu561= (NM_001411025.1).
Identifiers: ClinVar variation 3571736 (VCV003571736.1).
Genomic context (GRCh38, chr11:66,705,829, plus strand): 5'-CTCGTGCAGCTGCAGCAGGTCCTCCACTCCTGCTAGGTGCCTGCCCAGGTCCTGAGACTG[C>T]AGCCGGCCCTGCCAGGCACACATGAAGTGCACATGCCCGCCTGAGCACAGACGCGCTAAC-3'
Protein context (NP_008877.2, residues 544-564): MDWMEEMKGR[Leu554=]QSQDLGRHLA

ClinVar aggregate classification (germline): Uncertain significance (1 of 4 stars; one submission).

Submission:

Athena Diagnostics
Classification: Uncertain significance. Last evaluated: 2023-12-13. Review status: criteria provided, single submitter. Criteria: Athena Diagnostics Criteria. Collection method: clinical testing. Allele origin: unknown.
Comment: Available data are insufficient to determine the clinical significance of the variant at this time. This variant has not been reported in large, multi-ethnic general populations. Computational tools yielded predictions that this variant is unlikely to have an effect on normal RNA splicing.